The following is an entry in ClinVar:

ClinVar aggregate classification (germline): Likely benign (1 of 4 stars; one submission).

Allele frequency attached by ClinVar (database versions not stated): TOPMed below 0.00001; gnomAD 0.00001.
gnomAD v4.1: 1 of 1,613,966 alleles (0.000062%); highest among the groups gnomAD compares: African/African-American, 0.0013%; no homozygotes.

Submission:

CeGaT Center for Human Genetics Tuebingen
Classification: Likely benign. Last evaluated: 2023-07-01. Review status: criteria provided, single submitter. Criteria: CeGaT Center For Human Genetics Tuebingen Variant Classification Criteria Version 2. Collection method: clinical testing. Allele origin: germline. Affected: yes. Observed: 1 variant allele.
Comment: ZMIZ1: BP4, BP7

NM_020338.4(ZMIZ1):c.3189A>G (p.Leu1063=)

Gene: ZMIZ1 (zinc finger MIZ-type containing 1; plus strand). Cytogenetic location: 10q22.3.
Variant type: single nucleotide variant.
Coding change: c.3189A>G on transcript NM_020338.4 (MANE Select); coding-DNA position 3189, A replaced by G.
Protein change: p.Leu1063=; no amino-acid change (leucine 1063 retained).
Molecular consequence: synonymous variant.
Genome position (GRCh38, 1-based): chr10:79,312,734, A>G. VCF-style: chr10-79312734-A-G. GRCh37 (hg19) VCF-style: chr10-81072491-A-G.
Identifiers: ClinVar variation 2640640 (VCV002640640.24), dbSNP rs745656286, ClinGen allele CA210228645.